The following is an entry in ClinVar:

NM_000219.6(KCNE1):c.335A>C (p.His112Pro)

Gene: KCNE1 (potassium voltage-gated channel subfamily E regulatory subunit 1; minus strand). Cytogenetic location: 21q22.12.
Variant type: single nucleotide variant.
Coding change: c.335A>C on transcript NM_000219.6 (MANE Select); coding-DNA position 335, A replaced by C.
Protein change: p.His112Pro; replaces histidine 112 with proline.
Molecular consequence: missense variant.
Genome position (GRCh38, 1-based): chr21:34,449,300, T>G on the plus strand (A>C on the coding strand, the complement: KCNE1 is on the minus strand). VCF-style: chr21-34449300-T-G. GRCh37 (hg19) VCF-style: chr21-35821598-T-G.
Other names: c.335A>C, p.His112Pro (NM_001127668.4, NM_001127669.4, NM_001127670.4 and 4 more transcripts); short protein forms H112P.
Identifiers: ClinVar variation 3374672 (VCV003374672.2).

Conditions:
Long QT syndrome 5 (LQT5). Identifiers: Orphanet 101016, Orphanet 768, MedGen C1867904, MONDO:0013372, OMIM 613695.

Submission:

Roden Lab, Vanderbilt University Medical Center
No classification provided (evidence only). Condition: Long QT syndrome 5. Review status: no classification provided. Collection method: in vitro. Allele origin: not applicable. Functional consequence: Effect on ion channel function.
ClinVar note: "not provided" was previously submitted as the classification for the variant. However, the classification appeared to be based only on an observation of functional data so it was converted to no classification on 2025-07-30.